The following is an entry in ClinVar:

ClinVar aggregate classification (germline): Benign/Likely benign. Review status: criteria provided, multiple submitters, no conflicts (2 of 4 stars). 3 submissions from 3 submitters: Benign (2); Likely benign (1). Last evaluated 2026-05-01.

Allele frequency attached by ClinVar (database versions not stated): 1000 Genomes Project 0.00200; 1000 Genomes Project 30x 0.00219; TOPMed 0.00516; gnomAD 0.00535 and 0.00563; ESP Exome Variant Server 0.00577; gnomAD exomes 0.00586; ExAC 0.00627.
gnomAD v4.1: 10,368 of 1,614,078 alleles (0.64%); highest among the groups gnomAD compares: Middle Eastern, 1.1%; 52 homozygotes.

Submissions (3):

CeGaT Center for Human Genetics Tuebingen
Classification: Likely benign. Last evaluated: 2026-05-01. Review status: criteria provided, single submitter. Criteria: CeGaT Center For Human Genetics Tuebingen Variant Classification Criteria Version 2. Collection method: clinical testing. Allele origin: germline. Affected: yes. Observed: 1 variant allele.
Comment: BRINP1: BP4, BP7, BS2

Labcorp Genetics (formerly Invitae), Labcorp
Classification: Benign. Last evaluated: 2018-08-01. Review status: criteria provided, single submitter. Criteria: Invitae Variant Classification Sherloc (09022015). Collection method: clinical testing. Allele origin: germline.

Breakthrough Genomics
Classification: Benign. Review status: criteria provided, single submitter. Criteria: ACMG Guidelines, 2015. Collection method: not provided. Allele origin: germline. Inheritance: Unknown mechanism. Affected: yes.

NM_014618.3(BRINP1):c.1716G>A (p.Ser572=)

Gene: BRINP1 (BMP/retinoic acid inducible neural specific 1; minus strand). Cytogenetic location: 9q33.1.
Variant type: single nucleotide variant.
Coding change: c.1716G>A on transcript NM_014618.3 (MANE Select); coding-DNA position 1716, G replaced by A.
Protein change: p.Ser572=; no amino-acid change (serine 572 retained).
Molecular consequence: synonymous variant.
Genome position (GRCh38, 1-based): chr9:119,167,654, C>T on the plus strand (G>A on the coding strand, the complement: BRINP1 is on the minus strand). VCF-style: chr9-119167654-C-T. GRCh37 (hg19) VCF-style: chr9-121929932-C-T.
Identifiers: ClinVar variation 771880 (VCV000771880.6), dbSNP rs147029533, ClinGen allele CA5212683.